The following is an entry in ClinVar:

ClinVar aggregate classification (germline): Uncertain significance (1 of 4 stars; one submission).

gnomAD v4.1: 2 of 1,614,018 alleles (0.00012%); no homozygotes.

Submission:

Labcorp Genetics (formerly Invitae), Labcorp
Classification: Uncertain significance. Last evaluated: 2024-08-21. Review status: criteria provided, single submitter. Criteria: Invitae Variant Classification Sherloc (09022015). Collection method: clinical testing. Allele origin: germline.
Comment: This sequence change replaces alanine, which is neutral and non-polar, with threonine, which is neutral and polar, at codon 851 of the VCAN protein (p.Ala851Thr). This variant is present in population databases (no rsID available, gnomAD no frequency). This variant has not been reported in the literature in individuals affected with VCAN-related conditions. ClinVar contains an entry for this variant (Variation ID: 2082778). An algorithm developed to predict the effect of missense changes on protein structure and function (PolyPhen-2) suggests that this variant is likely to be tolerated. In summary, the available evidence is currently insufficient to determine the role of this variant in disease. Therefore, it has been classified as a Variant of Uncertain Significance.

NM_004385.5(VCAN):c.2551G>A (p.Ala851Thr)

Gene: VCAN (versican; plus strand). Cytogenetic location: 5q14.3.
Variant type: single nucleotide variant.
Coding change: c.2551G>A on transcript NM_004385.5 (MANE Select); coding-DNA position 2551, G replaced by A.
Protein change: p.Ala851Thr; replaces alanine 851 with threonine.
Molecular consequence: missense variant. On other transcripts: intron variant (2).
Genome position (GRCh38, 1-based): chr5:83,520,857, G>A. VCF-style: chr5-83520857-G-A. GRCh37 (hg19) VCF-style: chr5-82816676-G-A.
Other names: c.2551G>A, p.Ala851Thr (NM_001164098.2); c.1042+8461G>A (NM_001164097.2, NM_001126336.3); short protein forms A851T.
Identifiers: ClinVar variation 2082778 (VCV002082778.4), dbSNP rs1480597677, ClinGen allele CA360304172.
Genomic context (GRCh38, chr5:83,520,857, plus strand): 5'-CTCACAACTGTGGGGATGAATGGAAAGGATAAAGACATCCCAAGTTTCACTGAAGATGGA[G>A]CAGATGAATTTACTCTTATTCCAGATAGTACTCAAAAGCAGTTAGAGGAGGTTACTGATG-3'
Protein context (NP_004376.2, residues 841-861): KDIPSFTEDG[Ala851Thr]DEFTLIPDST